The following is an entry in ClinVar:

NM_000481.4(AMT):c.771del (p.Leu258fs)

Gene: AMT (aminomethyltransferase; minus strand). Cytogenetic location: 3p21.31.
Variant type: Deletion.
Coding change: c.771del on transcript NM_000481.4 (MANE Select); coding-DNA position 771, one base deleted (G; older notation c.771delG).
Protein change: p.Leu258fs; shifts the reading frame from leucine 258.
Molecular consequence: frameshift variant. On other transcripts: non-coding transcript variant (1).
Genome position (GRCh38, 1-based): chr3:49,419,077, C deleted on the plus strand (G on the coding strand, the reverse complement: AMT is on the minus strand); the first of 3 consecutive C bases (chr3:49,419,077-49,419,079); deleting any one gives the same sequence. VCF-style (leftmost placement, unchanged base first): chr3-49419076-GC-G. GRCh37 (hg19) VCF-style: chr3-49456509-GC-G.
Other names: c.771del, p.Leu258fs (NM_001164712.2); c.639del, p.Leu214fs (NM_001164710.2); c.603del, p.Leu202fs (NM_001164711.2); short protein forms L258fs, L202fs, L214fs.
Identifiers: ClinVar variation 2815496 (VCV002815496.3), dbSNP rs2471150314, ClinGen allele CA2665732478.

ClinVar aggregate classification (germline): Pathogenic (1 of 4 stars; one submission).

Conditions:
Glycine encephalopathy. Also called: Nonketotic hyperglycinemia; Non-ketotic hyperglycinemia. Identifiers: Orphanet 407, MedGen C0751748, MONDO:0011612, HP:0008288.

Submission:

Labcorp Genetics (formerly Invitae), Labcorp
Classification: Pathogenic for Glycine encephalopathy. Last evaluated: 2022-11-30. Review status: criteria provided, single submitter. Criteria: Invitae Variant Classification Sherloc (09022015). Collection method: clinical testing. Allele origin: germline.
Comment: For these reasons, this variant has been classified as Pathogenic. This variant has not been reported in the literature in individuals affected with AMT-related conditions. This variant is not present in population databases (gnomAD no frequency). This sequence change creates a premature translational stop signal (p.Leu258Trpfs*55) in the AMT gene. It is expected to result in an absent or disrupted protein product. Loss-of-function variants in AMT are known to be pathogenic (PMID: 16450403).

Literature cited by the submitters: PubMed 16450403.